The following is an entry in ClinVar:

ClinVar aggregate classification (germline): Uncertain significance (1 of 4 stars; one submission).

Conditions:
Cardiomyopathy (CMYO). Also called: Cardiomyopathies. Identifiers: Orphanet 167848, MedGen C0878544, MONDO:0004994, HP:0001638. Inheritance: Various modes of inheritance.

Submission:

Color Diagnostics, LLC DBA Color Health
Classification: Uncertain significance for Cardiomyopathy. Last evaluated: 2020-04-13. Review status: criteria provided, single submitter. Criteria: ACMG Guidelines, 2015. Collection method: clinical testing. Allele origin: germline.
Comment: This missense variant replaces glutamic acid with glycine at codon 945 of the DSP protein. Computational prediction suggests that this variant may not impact protein structure and function (internally defined REVEL score threshold <= 0.5, PMID: 27666373). To our knowledge, functional studies have not been reported for this variant. This variant has not been reported in individuals affected with cardiovascular disorders in the literature. This variant has not been identified in the general population by the Genome Aggregation Database (gnomAD). The available evidence is insufficient to determine the role of this variant in disease conclusively. Therefore, this variant is classified as a Variant of Uncertain Significance.

NM_004415.4(DSP):c.2834A>G (p.Glu945Gly)

Gene: DSP (desmoplakin; plus strand). Cytogenetic location: 6p24.3.
Variant type: single nucleotide variant.
Coding change: c.2834A>G on transcript NM_004415.4 (MANE Select); coding-DNA position 2834, A replaced by G.
Protein change: p.Glu945Gly; replaces glutamic acid 945 with glycine.
Molecular consequence: missense variant.
Genome position (GRCh38, 1-based): chr6:7,576,999, A>G. VCF-style: chr6-7576999-A-G. GRCh37 (hg19) VCF-style: chr6-7577232-A-G.
Other names: c.2834A>G, p.Glu945Gly (NM_001008844.3, NM_001319034.2); short protein forms E945G.
Identifiers: ClinVar variation 926805 (VCV000926805.3), dbSNP rs1759260761, ClinGen allele CA362682246.